The following is an entry in ClinVar:

NM_001276270.2(MBD4):c.1597A>G (p.Lys533Glu)

Gene: MBD4 (methyl-CpG binding domain 4, DNA glycosylase; minus strand). Cytogenetic location: 3q21.3.
Variant type: single nucleotide variant.
Coding change: c.1597A>G on transcript NM_001276270.2 (MANE Select); coding-DNA position 1597, A replaced by G.
Protein change: p.Lys533Glu; replaces lysine 533 with glutamic acid.
Molecular consequence: missense variant. On other transcripts: intron variant (1).
Genome position (GRCh38, 1-based): chr3:129,432,553, T>C on the plus strand (A>G on the coding strand, the complement: MBD4 is on the minus strand). VCF-style: chr3-129432553-T-C. GRCh37 (hg19) VCF-style: chr3-129151396-T-C.
Other names: c.1615A>G, p.Lys539Glu (NM_001276271.2, NM_003925.3); c.661A>G, p.Lys221Glu (NM_001276273.2); c.1612+3A>G (NM_001276272.2); short protein forms K533E, K539E, K221E.
Identifiers: ClinVar variation 3676616 (VCV003676616.3).
Genomic context (GRCh38, chr3:129,432,553, plus strand): 5'-TGAGCCTCACCTGCTTCCACTCATTGACACAAAAAATTCGGTAAGAGTCGTTGCCATATT[T>C]ACCAATCCCATGAAGCTCAATTGGATACTTCCACTGCTTTGTCAGGTATTCATCTGAAGA-3'
Protein context (NP_001263199.1, residues 523-543): KYPIELHGIG[Lys533Glu]YGNDSYRIFC

ClinVar aggregate classification (germline): Uncertain significance. Review status: criteria provided, multiple submitters, no conflicts (2 of 4 stars). 2 submissions from 2 submitters: Uncertain significance (2). Last evaluated 2025-03-29.

Conditions:
Inborn genetic diseases. Identifiers: MedGen C0950123, MeSH D030342.

Submissions (2):

Ambry Genetics
Classification: Uncertain significance for Inborn genetic diseases. Last evaluated: 2025-03-29. Review status: criteria provided, single submitter. Criteria: Ambry Variant Classification Scheme 2023. Collection method: clinical testing. Allele origin: germline.
Comment: The p.K533E variant (also known as c.1597A>G), located in coding exon 7 of the MBD4 gene, results from an A to G substitution at nucleotide position 1597. The lysine at codon 533 is replaced by glutamic acid, an amino acid with similar properties. This amino acid position is conserved. In addition, the in silico prediction for this alteration is inconclusive. Based on the available evidence, the clinical significance of this variant remains unclear.

Labcorp Genetics (formerly Invitae), Labcorp
Classification: Uncertain significance. Last evaluated: 2024-06-30. Review status: criteria provided, single submitter. Criteria: Invitae Variant Classification Sherloc (09022015). Collection method: clinical testing. Allele origin: germline.
Comment: This sequence change replaces lysine, which is basic and polar, with glutamic acid, which is acidic and polar, at codon 539 of the MBD4 protein (p.Lys539Glu). This variant is not present in population databases (gnomAD no frequency). This variant has not been reported in the literature in individuals affected with MBD4-related conditions. An algorithm developed to predict the effect of missense changes on protein structure and function (PolyPhen-2) suggests that this variant is likely to be disruptive. In summary, the available evidence is currently insufficient to determine the role of this variant in disease. Therefore, it has been classified as a Variant of Uncertain Significance.